The following is an entry in ClinVar:

ClinVar aggregate classification (germline): Likely benign. Review status: criteria provided, multiple submitters, no conflicts (2 of 4 stars). 2 submissions from 2 submitters: Likely benign (2). Last evaluated 2024-11-07.

Allele frequency attached by ClinVar (database versions not stated): gnomAD exomes 0.00009; gnomAD 0.00010; ExAC 0.00013; TOPMed 0.00013; ESP Exome Variant Server 0.00023.
gnomAD v4.1: 155 of 1,613,998 alleles (0.0096%); highest among the groups gnomAD compares: Middle Eastern, 0.016%; no homozygotes.

Submissions (2):

Blueprint Genetics
Classification: Likely benign. Last evaluated: 2024-11-07. Review status: criteria provided, single submitter. Criteria: ACMG Guidelines, 2015. Collection method: clinical testing. Allele origin: germline.

CeGaT Center for Human Genetics Tuebingen
Classification: Likely benign. Last evaluated: 2022-05-01. Review status: criteria provided, single submitter. Criteria: CeGaT Center For Human Genetics Tuebingen Variant Classification Criteria Version 2. Collection method: clinical testing. Allele origin: germline. Affected: yes. Observed: 1 variant allele.
Comment: MACF1: BP4, BP7

NM_001394062.1(MACF1):c.2580T>C (p.His860=)

Gene: MACF1 (microtubule actin crosslinking factor 1; plus strand). Cytogenetic location: 1p34.3.
Variant type: single nucleotide variant.
Coding change: c.2580T>C on transcript NM_001394062.1 (MANE Select); coding-DNA position 2580, T replaced by C.
Protein change: p.His860=; no amino-acid change (histidine 860 retained).
Molecular consequence: synonymous variant.
Genome position (GRCh38, 1-based): chr1:39,300,308, T>C. VCF-style: chr1-39300308-T-C. GRCh37 (hg19) VCF-style: chr1-39765980-T-C.
Other names: c.2595T>C, p.His865= (NM_012090.5).
Identifiers: ClinVar variation 2638691 (VCV002638691.25), dbSNP rs377295691, ClinGen allele CA779752.